The following is an entry in ClinVar:

NM_000478.6(ALPL):c.610A>T (p.Ile204Phe)

Gene: ALPL (alkaline phosphatase, biomineralization associated; plus strand). Cytogenetic location: 1p36.12.
Variant type: single nucleotide variant.
Coding change: c.610A>T on transcript NM_000478.6 (MANE Select); coding-DNA position 610, A replaced by T.
Protein change: p.Ile204Phe; replaces isoleucine 204 with phenylalanine.
Molecular consequence: missense variant.
Genome position (GRCh38, 1-based): chr1:21,564,178, A>T. VCF-style: chr1-21564178-A-T. GRCh37 (hg19) VCF-style: chr1-21890671-A-T.
Other names: c.445A>T, p.Ile149Phe (NM_001127501.4); c.379A>T, p.Ile127Phe (NM_001177520.3); c.610A>T, p.Ile204Phe (NM_001369803.2, NM_001369804.2, NM_001369805.2); short protein forms I204F, I127F, I149F.
Identifiers: ClinVar variation 1044483 (VCV001044483.10), dbSNP rs374558572, ClinGen allele CA666537.

ClinVar aggregate classification (germline): Uncertain significance. Review status: criteria provided, multiple submitters, no conflicts (2 of 4 stars). 2 submissions from 2 submitters: Uncertain significance (2). Last evaluated 2025-04-22.

Allele frequency attached by ClinVar (database versions not stated): ExAC 0.00001; gnomAD exomes 0.00001; TOPMed 0.00001; ESP Exome Variant Server 0.00008.
gnomAD v4.1: 2 of 1,614,042 alleles (0.00012%); highest among the groups gnomAD compares: Non-Finnish European, 0.00017%; no homozygotes.

Submissions (2):

Women's Health and Genetics/Laboratory Corporation of America, LabCorp
Classification: Uncertain significance. Last evaluated: 2025-04-22. Review status: criteria provided, single submitter. Criteria: LabCorp Variant Classification Summary - May 2015. Collection method: clinical testing. Allele origin: germline.
Comment: Variant summary: ALPL c.610A>T (p.Ile204Phe) results in a non-conservative amino acid change in the encoded protein sequence. Four of five in-silico tools predict a damaging effect of the variant on protein function. The variant allele was found at a frequency of 8e-06 in 251162 control chromosomes. The available data on variant occurrences in the general population are insufficient to allow any conclusion about variant significance. To our knowledge, no occurrence of c.610A>T in individuals affected with Hypophosphatasia and no experimental evidence demonstrating its impact on protein function have been reported. ClinVar contains an entry for this variant (Variation ID: 1044483). Based on the evidence outlined above, the variant was classified as uncertain significance.

Labcorp Genetics (formerly Invitae), Labcorp
Classification: Uncertain significance. Last evaluated: 2025-04-04. Review status: criteria provided, single submitter. Criteria: Invitae Variant Classification Sherloc (09022015). Collection method: clinical testing. Allele origin: germline.
Comment: This sequence change replaces isoleucine, which is neutral and non-polar, with phenylalanine, which is neutral and non-polar, at codon 204 of the ALPL protein (p.Ile204Phe). This variant is present in population databases (rs374558572, gnomAD 0.002%). This variant has not been reported in the literature in individuals affected with ALPL-related conditions. ClinVar contains an entry for this variant (Variation ID: 1044483). Invitae Evidence Modeling of protein sequence and biophysical properties (such as structural, functional, and spatial information, amino acid conservation, physicochemical variation, residue mobility, and thermodynamic stability) indicates that this missense variant is expected to disrupt ALPL protein function with a positive predictive value of 95%. In summary, the available evidence is currently insufficient to determine the role of this variant in disease. Therefore, it has been classified as a Variant of Uncertain Significance.